The following is an entry in ClinVar:

NM_001267550.2(TTN):c.104758A>C (p.Thr34920Pro)

Genes: TTN-AS1 (TTN antisense RNA 1; plus strand), TTN (titin; minus strand). Cytogenetic location: 2q31.2.
Variant type: single nucleotide variant.
Coding change: c.104758A>C on transcript NM_001267550.2 (MANE Select); coding-DNA position 104758, A replaced by C.
Protein change: p.Thr34920Pro; replaces threonine 34920 with proline.
Molecular consequence: missense variant.
Genome position (GRCh38, 1-based): chr2:178,531,857, T>G on the plus strand (A>C on the coding strand, the complement: TTN is on the minus strand). VCF-style: chr2-178531857-T-G. GRCh37 (hg19) VCF-style: chr2-179396584-T-G.
Other names: c.99835A>C, p.Thr33279Pro (NM_001256850.1); c.77563A>C, p.Thr25855Pro (NM_003319.4); c.97054A>C, p.Thr32352Pro (NM_133378.4); c.77938A>C, p.Thr25980Pro (NM_133432.3); c.78139A>C, p.Thr26047Pro (NM_133437.4); short protein forms T25855P, T33279P, T26047P, T34920P, T32352P, T25980P.
Identifiers: ClinVar variation 1985159 (VCV001985159.3), dbSNP rs1340282150, ClinGen allele CA349410990.
Genomic context (GRCh38, chr2:178,531,857, plus strand): 5'-GGTCCAGTGTGAAAGGCTGCTGACTCAAAACTTCATACTTCCTTTCTGATGTCTTCTGAG[T>G]TTTTAAAGCAGCTTTCATGGACTCATACCTGGAAAAGATATCAAATCTTGCAGACCTCTC-3'
Protein context (NP_001254479.2, residues 34910-34930): RYESMKAALK[Thr34920Pro]QKTSERKYEV

ClinVar aggregate classification (germline): Uncertain significance (1 of 4 stars; one submission).

Conditions:
Dilated cardiomyopathy 1G (CMD1G). Identifiers: Orphanet 154, MedGen C1858763, MONDO:0011400, OMIM 604145.
Autosomal recessive limb-girdle muscular dystrophy type 2J (LGMDR10). Also called: Limb-girdle muscular dystrophy, type 2J; MUSCULAR DYSTROPHY, LIMB-GIRDLE, AUTOSOMAL RECESSIVE 10. Identifiers: Orphanet 140922, MedGen C1837342, MONDO:0012127, OMIM 608807.

gnomAD v4.1: 8 of 1,613,550 alleles (0.0005%); highest among the groups gnomAD compares: Non-Finnish European, 0.00059%; no homozygotes.

Submission:

Labcorp Genetics (formerly Invitae), Labcorp
Classification: Uncertain significance for Dilated cardiomyopathy 1G; Autosomal recessive limb-girdle muscular dystrophy type 2J. Last evaluated: 2025-03-31. Review status: criteria provided, single submitter. Criteria: Invitae Variant Classification Sherloc (09022015). Collection method: clinical testing. Allele origin: germline.
Comment: This sequence change replaces threonine, which is neutral and polar, with proline, which is neutral and non-polar, at codon 34920 of the TTN protein (p.Thr34920Pro). This variant is present in population databases (no rsID available, gnomAD 0.0009%). This variant has not been reported in the literature in individuals affected with TTN-related conditions. ClinVar contains an entry for this variant (Variation ID: 1985159). Experimental studies and prediction algorithms are not available or were not evaluated, and the functional significance of this variant is currently unknown. This variant is located in the M band of TTN (PMID: 25589632). Non-truncating variants in this region may be relevant for neuromuscular disorders, but have not been definitively shown to cause cardiomyopathy (PMID: 23975875). In summary, the available evidence is currently insufficient to determine the role of this variant in disease. Therefore, it has been classified as a Variant of Uncertain Significance.

Literature cited by the submitters: PubMed 25589632; PubMed 23975875.